The following is an entry in ClinVar:

NM_005732.4(RAD50):c.1054C>G (p.Arg352Gly)

Gene: RAD50 (RAD50 double strand break repair protein; plus strand). Cytogenetic location: 5q31.1.
Variant type: single nucleotide variant.
Coding change: c.1054C>G on transcript NM_005732.4 (MANE Select); coding-DNA position 1054, C replaced by G.
Protein change: p.Arg352Gly; replaces arginine 352 with glycine.
Molecular consequence: missense variant.
Genome position (GRCh38, 1-based): chr5:132,588,689, C>G. VCF-style: chr5-132588689-C-G. GRCh37 (hg19) VCF-style: chr5-131924381-C-G.
Other names: short protein forms R352G.
Identifiers: ClinVar variation 1396243 (VCV001396243.6), dbSNP rs1341798216, ClinGen allele CA360941947.

ClinVar aggregate classification (germline): Uncertain significance (1 of 4 stars; one submission).

Conditions:
Hereditary cancer-predisposing syndrome. Also called: Neoplastic Syndromes, Hereditary; Hereditary neoplastic syndrome; Tumor predisposition; Hereditary Cancer Syndrome. Identifiers: Orphanet 140162, MedGen C0027672, MeSH D009386, MONDO:0015356.

Submission:

Labcorp Genetics (formerly Invitae), Labcorp
Classification: Uncertain significance for Hereditary cancer-predisposing syndrome. Last evaluated: 2021-10-12. Review status: criteria provided, single submitter. Criteria: Invitae Variant Classification Sherloc (09022015). Collection method: clinical testing. Allele origin: germline.
Comment: This sequence change replaces arginine with glycine at codon 352 of the RAD50 protein (p.Arg352Gly). The arginine residue is moderately conserved and there is a moderate physicochemical difference between arginine and glycine. This variant is not present in population databases (ExAC no frequency). This variant has not been reported in the literature in individuals affected with RAD50-related conditions. Algorithms developed to predict the effect of missense changes on protein structure and function are either unavailable or do not agree on the potential impact of this missense change (SIFT: "Deleterious"; PolyPhen-2: "Possibly Damaging"; Align-GVGD: "Class C0"). In summary, the available evidence is currently insufficient to determine the role of this variant in disease. Therefore, it has been classified as a Variant of Uncertain Significance.